The following is an entry in ClinVar:

NM_001943.5(DSG2):c.1280G>A (p.Arg427Lys)

Gene: DSG2 (desmoglein 2; plus strand). Cytogenetic location: 18q12.1.
Variant type: single nucleotide variant.
Coding change: c.1280G>A on transcript NM_001943.5 (MANE Select); coding-DNA position 1280, G replaced by A.
Protein change: p.Arg427Lys; replaces arginine 427 with lysine.
Molecular consequence: missense variant.
Genome position (GRCh38, 1-based): chr18:31,531,252, G>A. VCF-style: chr18-31531252-G-A. GRCh37 (hg19) VCF-style: chr18-29111215-G-A.
Other names: short protein forms R427K.
Identifiers: ClinVar variation 3071830 (VCV003071830.1), dbSNP rs2510915528, ClinGen allele CA402139708.

ClinVar aggregate classification (germline): Uncertain significance (1 of 4 stars; one submission).

Conditions:
Arrhythmogenic right ventricular cardiomyopathy (ARVD). Also called: Arrhythmogenic right ventricular dysplasia; Cardiomyopathy, ARVC; Arrhythmogenic cardiomyopathy; Arrhythmogenic Right Ventricular Cardiomyopathy (ARVC). Identifiers: Orphanet 247, MedGen C0349788, MeSH D019571, MONDO:0016587. Disease mechanism: loss of function. Inheritance: Various modes of inheritance.

Submission:

All of Us Research Program, National Institutes of Health
Classification: Uncertain significance for Arrhythmogenic right ventricular cardiomyopathy. Last evaluated: 2023-06-26. Review status: criteria provided, single submitter. Criteria: ACMG Guidelines, 2015. Collection method: clinical testing. Allele origin: germline. Inheritance: Autosomal dominant inheritance. Observed: 1 variant allele, 1 heterozygote.
Comment: This missense variant replaces arginine with lysine at codon 427 of the DSG2 protein. Computational prediction suggests that this variant may not impact protein structure and function (internally defined REVEL score threshold <= 0.5, PMID: 27666373). To our knowledge, functional studies have not been reported for this variant. This variant has not been reported in individuals affected with DSG2-related disorders in the literature. This variant has not been identified in the general population by the Genome Aggregation Database (gnomAD). The available evidence is insufficient to determine the role of this variant in disease conclusively. Therefore, this variant is classified as a Variant of Uncertain Significance.

This study involves interpretation of variants in research participants for the purpose of population health screening. Participant phenotype was not available at the time of variant classification. Additional details can be found in publication PMID: 35346344, PMCID: PMC8962531